The following is an entry in ClinVar:

NM_000485.3(APRT):c.423G>A (p.Glu141=)

Gene: APRT (adenine phosphoribosyltransferase; minus strand). Cytogenetic location: 16q24.3.
Variant type: single nucleotide variant.
Coding change: c.423G>A on transcript NM_000485.3 (MANE Select); coding-DNA position 423, G replaced by A.
Protein change: p.Glu141=; no amino-acid change (glutamic acid 141 retained).
Molecular consequence: synonymous variant. On other transcripts: intron variant (1).
Genome position (GRCh38, 1-based): chr16:88,809,818, C>T on the plus strand (G>A on the coding strand, the complement: APRT is on the minus strand). VCF-style: chr16-88809818-C-T. GRCh37 (hg19) VCF-style: chr16-88876226-C-T.
Other names: c.423G>A (NM_000485.2); c.401-112G>A (NM_001030018.2).
Identifiers: ClinVar variation 4931962 (VCV004931962.2).

ClinVar aggregate classification (germline): Likely benign. Review status: criteria provided, multiple submitters, no conflicts (2 of 4 stars). 2 submissions from 2 submitters: Likely benign (2). Last evaluated 2025-04-26.

Conditions:
APRT-related disorder. Also called: APRT-related condition.

gnomAD v4.1: 40 of 1,612,490 alleles (0.0025%); highest among the groups gnomAD compares: Admixed American, 0.0017%; 1 homozygote.

Submissions (2):

PreventionGenetics, part of Exact Sciences
Classification: Likely benign for APRT-related condition. Last evaluated: 2025-04-26. Review status: criteria provided, single submitter. Criteria: ACMG Guidelines, 2015. Collection method: clinical testing. Allele origin: germline.
Comment: This variant is classified as likely benign based on ACMG/AMP sequence variant interpretation guidelines (Richards et al. 2015 PMID: 25741868, with internal and published modifications).

Blueprint Genetics
Classification: Likely benign. Last evaluated: 2022-08-08. Review status: criteria provided, single submitter. Criteria: ACMG Guidelines, 2015. Collection method: clinical testing. Allele origin: germline.